The following is an entry in ClinVar:

ClinVar aggregate classification (germline): Uncertain significance (1 of 4 stars; one submission).

Allele frequency attached by ClinVar (database versions not stated): gnomAD 0.00001; TOPMed 0.00001; ExAC 0.00002; gnomAD exomes 0.00002.
gnomAD v4.1: 15 of 1,613,548 alleles (0.00093%); highest among the groups gnomAD compares: Admixed American, 0.015%; no homozygotes.

Submission:

Labcorp Genetics (formerly Invitae), Labcorp
Classification: Uncertain significance. Last evaluated: 2024-11-29. Review status: criteria provided, single submitter. Criteria: Invitae Variant Classification Sherloc (09022015). Collection method: clinical testing. Allele origin: germline.
Comment: This sequence change replaces histidine, which is basic and polar, with tyrosine, which is neutral and polar, at codon 576 of the DLL1 protein (p.His576Tyr). This variant is present in population databases (rs778339510, gnomAD 0.02%). This variant has not been reported in the literature in individuals affected with DLL1-related conditions. ClinVar contains an entry for this variant (Variation ID: 1937439). An algorithm developed to predict the effect of missense changes on protein structure and function (PolyPhen-2) suggests that this variant is likely to be tolerated. In summary, the available evidence is currently insufficient to determine the role of this variant in disease. Therefore, it has been classified as a Variant of Uncertain Significance.

NM_005618.4(DLL1):c.1726C>T (p.His576Tyr)

Gene: DLL1 (delta like canonical Notch ligand 1; minus strand). Cytogenetic location: 6q27.
Variant type: single nucleotide variant.
Coding change: c.1726C>T on transcript NM_005618.4 (MANE Select); coding-DNA position 1726, C replaced by T.
Protein change: p.His576Tyr; replaces histidine 576 with tyrosine.
Molecular consequence: missense variant.
Genome position (GRCh38, 1-based): chr6:170,283,553, G>A on the plus strand (C>T on the coding strand, the complement: DLL1 is on the minus strand). VCF-style: chr6-170283553-G-A. GRCh37 (hg19) VCF-style: chr6-170592641-G-A.
Other names: short protein forms H576Y.
Identifiers: ClinVar variation 1937439 (VCV001937439.5), dbSNP rs778339510, ClinGen allele CA4106748.